The following is an entry in ClinVar:

ClinVar aggregate classification (germline): Likely benign. Review status: criteria provided, multiple submitters, no conflicts (2 of 4 stars). 2 submissions from 2 submitters: Likely benign (2). Last evaluated 2024-09-20.

Conditions:
Developmental and epileptic encephalopathy, 65. Also called: EPILEPTIC ENCEPHALOPATHY, EARLY INFANTILE, 65. Identifiers: MedGen C4693925, MONDO:0033374, OMIM 618008.

Submissions (2):

3billion
Classification: Likely benign for Developmental and epileptic encephalopathy, 65. Last evaluated: 2024-09-20. Review status: criteria provided, single submitter. Criteria: ACMG Guidelines, 2015. Collection method: clinical testing. Allele origin: germline. Affected: no.
Comment: The variant was identified in at least one patient who was diagnosed with a different variant in another gene and showed no symptoms related to the gene containing the variant in question.

Labcorp Genetics (formerly Invitae), Labcorp
Classification: Likely benign. Last evaluated: 2024-06-17. Review status: criteria provided, single submitter. Criteria: Invitae Variant Classification Sherloc (09022015). Collection method: clinical testing. Allele origin: germline.

NM_001037333.3(CYFIP2):c.1128G>T (p.Gly376=)

Gene: CYFIP2 (cytoplasmic FMR1 interacting protein 2; plus strand). Cytogenetic location: 5q33.3.
Variant type: single nucleotide variant.
Coding change: c.1128G>T on transcript NM_001037333.3 (MANE Select); coding-DNA position 1128, G replaced by T.
Protein change: p.Gly376=; no amino-acid change (glycine 376 retained).
Molecular consequence: synonymous variant.
Genome position (GRCh38, 1-based): chr5:157,314,361, G>T. VCF-style: chr5-157314361-G-T. GRCh37 (hg19) VCF-style: chr5-156741369-G-T.
Other names: c.1050G>T, p.Gly350= (NM_001291721.2); c.1128G>T, p.Gly376= (NM_001291722.2, NM_014376.4).
Identifiers: ClinVar variation 1351063 (VCV001351063.9), dbSNP rs1379763906, ClinGen allele CA447432153.